The following is an entry in ClinVar:

NM_004995.4(MMP14):c.742G>A (p.Glu248Lys)

Gene: MMP14 (matrix metallopeptidase 14; plus strand). Cytogenetic location: 14q11.2.
Variant type: single nucleotide variant.
Coding change: c.742G>A on transcript NM_004995.4 (MANE Select); coding-DNA position 742, G replaced by A.
Protein change: p.Glu248Lys; replaces glutamic acid 248 with lysine.
Molecular consequence: missense variant.
Genome position (GRCh38, 1-based): chr14:22,843,310, G>A. VCF-style: chr14-22843310-G-A. GRCh37 (hg19) VCF-style: chr14-23312519-G-A.
Other names: short protein forms E248K.
Identifiers: ClinVar variation 4108984 (VCV004108984.2).

ClinVar aggregate classification (germline): Uncertain significance. Review status: criteria provided, multiple submitters, no conflicts (2 of 4 stars). 2 submissions from 2 submitters: Uncertain significance (2). Last evaluated 2025-07-13.

Conditions:
Inborn genetic diseases. Identifiers: MedGen C0950123, MeSH D030342.

gnomAD v4.1: 17 of 1,613,934 alleles (0.0011%); highest among the groups gnomAD compares: Admixed American, 0.0067%; no homozygotes.

Submissions (2):

Ambry Genetics
Classification: Uncertain significance for Inborn genetic diseases. Last evaluated: 2025-07-13. Review status: criteria provided, single submitter. Criteria: Ambry Variant Classification Scheme 2023. Collection method: clinical testing. Allele origin: germline.

Labcorp Genetics (formerly Invitae), Labcorp
Classification: Uncertain significance. Last evaluated: 2025-05-11. Review status: criteria provided, single submitter. Criteria: Invitae Variant Classification Sherloc (09022015). Collection method: clinical testing. Allele origin: germline.
Comment: This sequence change replaces glutamic acid, which is acidic and polar, with lysine, which is basic and polar, at codon 248 of the MMP14 protein (p.Glu248Lys). This variant is present in population databases (rs143061668, gnomAD 0.009%). This variant has not been reported in the literature in individuals affected with MMP14-related conditions. Invitae Evidence Modeling of protein sequence and biophysical properties (such as structural, functional, and spatial information, amino acid conservation, physicochemical variation, residue mobility, and thermodynamic stability) has been performed for this missense variant. However, the output from this modeling did not meet the statistical confidence thresholds required to predict the impact of this variant on MMP14 protein function. In summary, the available evidence is currently insufficient to determine the role of this variant in disease. Therefore, it has been classified as a Variant of Uncertain Significance.